The following is an entry in ClinVar:

NM_001365536.1(SCN9A):c.2630T>G (p.Val877Gly)

Genes: SCN1A-AS1 (SCN1A and SCN9A antisense RNA 1; plus strand), SCN9A (sodium voltage-gated channel alpha subunit 9; minus strand). Cytogenetic location: 2q24.3.
Variant type: single nucleotide variant.
Coding change: c.2630T>G on transcript NM_001365536.1 (MANE Select); coding-DNA position 2630, T replaced by G.
Protein change: p.Val877Gly; replaces valine 877 with glycine.
Molecular consequence: missense variant. On other transcripts: non-coding transcript variant (1).
Genome position (GRCh38, 1-based): chr2:166,277,227, A>C on the plus strand (T>G on the coding strand, the complement: SCN9A is on the minus strand). VCF-style: chr2-166277227-A-C. GRCh37 (hg19) VCF-style: chr2-167133737-A-C.
Other names: c.2597T>G, p.Val866Gly (NM_002977.4); short protein forms V877G, V866G.
Identifiers: ClinVar variation 848429 (VCV000848429.10), dbSNP rs1697275496, ClinGen allele CA349077926.

ClinVar aggregate classification (germline): Uncertain significance (1 of 4 stars; one submission).

Conditions:
Neuropathy, hereditary sensory and autonomic, type 2A (HSAN2A). Also called: ACROOSTEOLYSIS, GIACCAI TYPE; ACROOSTEOLYSIS, NEUROGENIC; HSAN IIA; NEUROPATHY, HEREDITARY SENSORY, TYPE IIA; NEUROPATHY, PROGRESSIVE SENSORY, OF CHILDREN; WNK1-Related HSAN2 (HSAN2A). Identifiers: Orphanet 970, MedGen C2752089, MONDO:0024309, OMIM 201300.
Generalized epilepsy with febrile seizures plus, type 7 (GEFSP7). Also called: GEFS+, TYPE 7. Identifiers: Orphanet 36387, MedGen C2751778, MONDO:0013470, OMIM 613863.

Submission:

Labcorp Genetics (formerly Invitae), Labcorp
Classification: Uncertain significance for Neuropathy, hereditary sensory and autonomic, type 2A; Generalized epilepsy with febrile seizures plus, type 7. Last evaluated: 2023-11-27. Review status: criteria provided, single submitter. Criteria: Invitae Variant Classification Sherloc (09022015). Collection method: clinical testing. Allele origin: germline.
Comment: This sequence change replaces valine, which is neutral and non-polar, with glycine, which is neutral and non-polar, at codon 866 of the SCN9A protein (p.Val866Gly). This variant is not present in population databases (gnomAD no frequency). This variant has not been reported in the literature in individuals affected with SCN9A-related conditions. ClinVar contains an entry for this variant (Variation ID: 848429). Advanced modeling of protein sequence and biophysical properties (such as structural, functional, and spatial information, amino acid conservation, physicochemical variation, residue mobility, and thermodynamic stability) has been performed at Invitae for this missense variant, however the output from this modeling did not meet the statistical confidence thresholds required to predict the impact of this variant on SCN9A protein function. In summary, the available evidence is currently insufficient to determine the role of this variant in disease. Therefore, it has been classified as a Variant of Uncertain Significance.